The following is an entry in ClinVar:

NM_004304.5(ALK):c.3295G>A (p.Ala1099Thr)

Gene: ALK (ALK receptor tyrosine kinase; minus strand). Cytogenetic location: 2p23.2.
Variant type: single nucleotide variant.
Coding change: c.3295G>A on transcript NM_004304.5 (MANE Select); coding-DNA position 3295, G replaced by A.
Protein change: p.Ala1099Thr; replaces alanine 1099 with threonine.
Molecular consequence: missense variant.
Genome position (GRCh38, 1-based): chr2:29,223,406, C>T on the plus strand (G>A on the coding strand, the complement: ALK is on the minus strand). VCF-style: chr2-29223406-C-T. GRCh37 (hg19) VCF-style: chr2-29446272-C-T.
Other names: c.91G>A, p.Ala31Thr (NM_001353765.2); short protein forms A31T, A1099T.
Identifiers: ClinVar variation 963394 (VCV000963394.9), dbSNP rs1669861611, ClinGen allele CA346464851.

ClinVar aggregate classification (germline): Uncertain significance. Review status: criteria provided, multiple submitters, no conflicts (2 of 4 stars). 2 submissions from 2 submitters: Uncertain significance (2). Last evaluated 2024-06-11.

Conditions:
Neuroblastoma, susceptibility to, 3. Also called: ALK-Related Neuroblastic Tumor Susceptibility. Identifiers: Orphanet 635, MedGen C2751681, MONDO:0013083, OMIM 613014.
Hereditary cancer-predisposing syndrome. Also called: Hereditary neoplastic syndrome; Tumor predisposition; Neoplastic Syndromes, Hereditary; Hereditary Cancer Syndrome. Identifiers: Orphanet 140162, MedGen C0027672, MeSH D009386, MONDO:0015356.

Allele frequency attached by ClinVar (database versions not stated): gnomAD exomes below 0.00001; gnomAD 0.00001.
gnomAD v4.1: 5 of 1,614,158 alleles (0.00031%); highest among the groups gnomAD compares: East Asian, 0.0089%; no homozygotes.

Submissions (2):

Labcorp Genetics (formerly Invitae), Labcorp
Classification: Uncertain significance for Neuroblastoma, susceptibility to, 3. Last evaluated: 2024-06-11. Review status: criteria provided, single submitter. Criteria: Invitae Variant Classification Sherloc (09022015). Collection method: clinical testing. Allele origin: germline.
Comment: This sequence change replaces alanine, which is neutral and non-polar, with threonine, which is neutral and polar, at codon 1099 of the ALK protein (p.Ala1099Thr). This variant is not present in population databases (gnomAD no frequency). This missense change has been observed in individual(s) with neuroblastoma (PMID: 23104988). ClinVar contains an entry for this variant (Variation ID: 963394). An algorithm developed to predict the effect of missense changes on protein structure and function (PolyPhen-2) suggests that this variant is likely to be tolerated. Experimental studies have shown that this missense change affects ALK function (PMID: 23104988). In summary, the available evidence is currently insufficient to determine the role of this variant in disease. Therefore, it has been classified as a Variant of Uncertain Significance.

Sema4
Classification: Uncertain significance for Hereditary cancer-predisposing syndrome. Last evaluated: 2021-07-20. Review status: criteria provided, single submitter. Criteria: Sema4 Curation Guidelines. Collection method: curation. Allele origin: germline.
Comment: The ALK c.3295G>A (p.A1099T) variant has been reported in heterozygosity in at least one pediatric patient with neuroblastoma (PMID: 23104988). Functional assays showed that activation of downstream ERK signaling and neurite outgrowth were relatively unperturbed in an in vitro system (PMID: 23104988). It was not observed in the large and broad cohorts of the Genome Aggregation Database (PMID: 32461654). This variant has been reported in ClinVar (Variation ID: 963394). In silico predictions of the variant's effect on protein function are inconclusive. Based on the current evidence available, this variant is interpreted as a variant of uncertain significance.

Literature cited by the submitters: PubMed 23104988 (cited by Labcorp Genetics (formerly Invitae), Labcorp and Sema4).